The following is an entry in ClinVar:

NM_007294.4(BRCA1):c.985A>C (p.Asn329His)

Gene: BRCA1 (BRCA1 DNA repair associated; minus strand). Cytogenetic location: 17q21.31.
Variant type: single nucleotide variant.
Coding change: c.985A>C on transcript NM_007294.4 (MANE Select); coding-DNA position 985, A replaced by C.
Protein change: p.Asn329His; replaces asparagine 329 with histidine.
Molecular consequence: missense variant. On other transcripts: intron variant (137).
Genome position (GRCh38, 1-based): chr17:43,094,546, T>G on the plus strand (A>C on the coding strand, the complement: BRCA1 is on the minus strand). VCF-style: chr17-43094546-T-G. GRCh37 (hg19) VCF-style: chr17-41246563-T-G.
Other names: c.841A>C, p.Asn281His (NM_001407745.1, NM_001407746.1, NM_001407747.1 and 20 more transcripts); c.844A>C, p.Asn282His (NM_001407850.1, NM_001407851.1, NM_001407852.1 and 29 more transcripts); c.775A>C, p.Asn259His (NM_001407879.1, NM_001407881.1, NM_001407882.1 and 13 more transcripts); c.772A>C, p.Asn258His (NM_001407894.1, NM_001407915.1, NM_001407916.1 and 9 more transcripts); c.862A>C, p.Asn288His (NM_001407919.1, NM_001407937.1, NM_001407648.1 and 19 more transcripts); c.721A>C, p.Asn241His (NM_001407920.1, NM_001407933.1, NM_001407935.1 and 9 more transcripts); c.718A>C, p.Asn240His (NM_001407931.1, NM_001407932.1, NM_001407934.1 and 2 more transcripts); c.985A>C, p.Asn329His (NM_001407597.1, NM_001407598.1, NM_001407602.1 and 30 more transcripts); and 40 more; short protein forms N161H, N240H, N261H, N281H, N287H, N326H, N202H, N288H.
Identifiers: ClinVar variation 2762619 (VCV002762619.4), dbSNP rs786203732, ClinGen allele CA10600089.

ClinVar aggregate classification (germline): Uncertain significance. Review status: criteria provided, multiple submitters, no conflicts (2 of 4 stars). 2 submissions from 2 submitters: Uncertain significance (2). Last evaluated 2026-07-07.

Conditions:
Hereditary breast ovarian cancer syndrome. Also called: Hereditary breast and ovarian cancer syndrome; Hereditary breast and ovarian cancer syndrome (HBOC); Breast and ovarian cancer; Hereditary breast and/or ovarian cancer syndrome; Hereditary breast and ovarian cancer; BRCA1- and BRCA2-Associated Hereditary Breast and Ovarian Cancer. Identifiers: Orphanet 145, MedGen C0677776, MeSH D061325, MONDO:0003582. Disease mechanism: loss of function.
Hereditary cancer-predisposing syndrome. Also called: Hereditary Cancer Syndrome; Hereditary neoplastic syndrome; Neoplastic Syndromes, Hereditary; Tumor predisposition. Identifiers: Orphanet 140162, MedGen C0027672, MeSH D009386, MONDO:0015356.

Submissions (2):

Ambry Genetics
Classification: Uncertain significance for Hereditary cancer-predisposing syndrome. Last evaluated: 2026-07-07. Review status: criteria provided, single submitter. Criteria: Ambry Variant Classification Scheme 2023. Collection method: clinical testing. Allele origin: germline.
Comment: The p.N329H variant (also known as c.985A>C), located in coding exon 9 of the BRCA1 gene, results from an A to C substitution at nucleotide position 985. The asparagine at codon 329 is replaced by histidine, an amino acid with similar properties. This amino acid position is conserved. In addition, the in silico prediction for this alteration is inconclusive. Based on the available evidence, the clinical significance of this variant remains unclear.

Labcorp Genetics (formerly Invitae), Labcorp
Classification: Uncertain significance for Hereditary breast ovarian cancer syndrome. Last evaluated: 2023-09-22. Review status: criteria provided, single submitter. Criteria: Invitae Variant Classification Sherloc (09022015). Collection method: clinical testing. Allele origin: germline.
Comment: In summary, the available evidence is currently insufficient to determine the role of this variant in disease. Therefore, it has been classified as a Variant of Uncertain Significance. Advanced modeling of protein sequence and biophysical properties (such as structural, functional, and spatial information, amino acid conservation, physicochemical variation, residue mobility, and thermodynamic stability) performed at Invitae indicates that this missense variant is not expected to disrupt BRCA1 protein function. This variant has not been reported in the literature in individuals affected with BRCA1-related conditions. This variant is not present in population databases (gnomAD no frequency). This sequence change replaces asparagine, which is neutral and polar, with histidine, which is basic and polar, at codon 329 of the BRCA1 protein (p.Asn329His).